The following is an entry in ClinVar:

NM_001197104.2(KMT2A):c.11743_11746del (p.Asn3915fs)

Genes: KMT2A (lysine methyltransferase 2A; plus strand), TTC36-AS1 (TTC36 and KMT2A antisense RNA 1; minus strand). Cytogenetic location: 11q23.3.
Variant type: Deletion.
Coding change: c.11743_11746del on transcript NM_001197104.2 (MANE Select); coding-DNA positions 11743 to 11746, 4 bases deleted (AACT; older notation c.11743_11746delAACT).
Protein change: p.Asn3915fs; shifts the reading frame from asparagine 3915.
Molecular consequence: frameshift variant.
Genome position (GRCh38, 1-based): chr11:118,521,996-118,521,999, AACT deleted; deleting any 4 consecutive bases within chr11:118,521,994-118,521,999 gives the same sequence; the c. name uses the placement nearest the transcript's 3' end. VCF-style (leftmost placement, unchanged base first): chr11-118521993-CCTAA-C. GRCh37 (hg19) VCF-style: chr11-118392708-CCTAA-C.
Other names: c.11743_11746delAACT, p.Asn3915Alafs (NM_001197104.1); c.11734_11737del, p.Asn3912fs (NM_005933.4); short protein forms N3912fs, N3915fs.
Identifiers: ClinVar variation 1708578 (VCV001708578.2), dbSNP rs2497133775, ClinGen allele CA2580083592.

ClinVar aggregate classification (germline): Uncertain significance (1 of 4 stars; one submission).

Submission:

GeneDx
Classification: Uncertain significance. Last evaluated: 2022-04-09. Review status: criteria provided, single submitter. Criteria: GeneDx Variant Classification Process June 2021. Collection method: clinical testing. Allele origin: germline. Affected: yes.
Comment: Not observed at significant frequency in large population cohorts (gnomAD); Frameshift variant predicted to result in protein truncation as the last 58 amino acids are replaced with 55 different amino acids, although loss-of-function variants have not been reported downstream of this position in the protein; Has not been previously published as pathogenic or benign to our knowledge